The following is an entry in ClinVar:

NM_001035.3(RYR2):c.8344A>G (p.Met2782Val)

Gene: RYR2 (ryanodine receptor 2; plus strand). Cytogenetic location: 1q43.
Variant type: single nucleotide variant.
Coding change: c.8344A>G on transcript NM_001035.3 (MANE Select); coding-DNA position 8344, A replaced by G.
Protein change: p.Met2782Val; replaces methionine 2782 with valine.
Molecular consequence: missense variant.
Genome position (GRCh38, 1-based): chr1:237,660,855, A>G. VCF-style: chr1-237660855-A-G. GRCh37 (hg19) VCF-style: chr1-237824155-A-G.
Other names: short protein forms M2782V.
Identifiers: ClinVar variation 2068039 (VCV002068039.6), dbSNP rs1425494520, ClinGen allele CA345401825.

ClinVar aggregate classification (germline): Uncertain significance. Review status: criteria provided, multiple submitters, no conflicts (2 of 4 stars). 3 submissions from 3 submitters: Uncertain significance (3). Last evaluated 2026-01-26.

Conditions:
Catecholaminergic polymorphic ventricular tachycardia (CVPT). Also called: Catecholamine-induced polymorphic ventricular tachycardia. Identifiers: Orphanet 3286, MedGen C5574922, MONDO:0017990.
Catecholaminergic polymorphic ventricular tachycardia 1. Also called: RYR2-Related Catecholaminergic Polymorphic Ventricular Tachycardia; VENTRICULAR TACHYCARDIA, STRESS-INDUCED POLYMORPHIC 1; VENTRICULAR TACHYCARDIA, CATECHOLAMINERGIC POLYMORPHIC, 1, WITH OR WITHOUT ATRIAL DYSFUNCTION AND/OR DILATED CARDIOMYOPATHY. Identifiers: Orphanet 3286, MedGen C1631597, MONDO:0011484, OMIM 604772.
Cardiomyopathy (CMYO). Also called: Cardiomyopathies. Identifiers: Orphanet 167848, MedGen C0878544, MONDO:0004994, HP:0001638. Inheritance: Various modes of inheritance.

Allele frequency attached by ClinVar (database versions not stated): gnomAD exomes below 0.00001; gnomAD 0.00001; TOPMed 0.00001.
gnomAD v4.1: 7 of 1,547,434 alleles (0.00045%); highest among the groups gnomAD compares: African/African-American, 0.0027%; no homozygotes.

Submissions (3):

Labcorp Genetics (formerly Invitae), Labcorp
Classification: Uncertain significance for Catecholaminergic polymorphic ventricular tachycardia 1. Last evaluated: 2026-01-26. Review status: criteria provided, single submitter. Criteria: Invitae Variant Classification Sherloc (09022015). Collection method: clinical testing. Allele origin: germline.
Comment: This sequence change replaces methionine, which is neutral and non-polar, with valine, which is neutral and non-polar, at codon 2782 of the RYR2 protein (p.Met2782Val). This variant is present in population databases (no rsID available, gnomAD 0.001%). This variant has not been reported in the literature in individuals affected with RYR2-related conditions. ClinVar contains an entry for this variant (Variation ID: 2068039). Invitae Evidence Modeling of protein sequence and biophysical properties (such as structural, functional, and spatial information, amino acid conservation, physicochemical variation, residue mobility, and thermodynamic stability) has been performed for this missense variant. However, the output from this modeling did not meet the statistical confidence thresholds required to predict the impact of this variant on RYR2 protein function. In summary, the available evidence is currently insufficient to determine the role of this variant in disease. Therefore, it has been classified as a Variant of Uncertain Significance.

All of Us Research Program, National Institutes of Health
Classification: Uncertain significance for Catecholaminergic polymorphic ventricular tachycardia. Last evaluated: 2023-11-02. Review status: criteria provided, single submitter. Criteria: ACMG Guidelines, 2015. Collection method: clinical testing. Allele origin: germline. Inheritance: Autosomal dominant inheritance. Observed: 1 variant allele, 1 heterozygote.
Comment: This missense variant replaces methionine with valine at codon 2782 of the RYR2 protein. Computational prediction suggests that this variant may have deleterious impact on protein structure and function (internally defined REVEL score threshold >= 0.7, PMID: 27666373). To our knowledge, functional studies have not been reported for this variant. This variant has not been reported in individuals affected with RYR2-related disorders in the literature. This variant has been identified in 1/31386 chromosomes in the general population by the Genome Aggregation Database (gnomAD). The available evidence is insufficient to determine the role of this variant in disease conclusively. Therefore, this variant is classified as a Variant of Uncertain Significance.

This study involves interpretation of variants in research participants for the purpose of population health screening. Participant phenotype was not available at the time of variant classification. Additional details can be found in publication PMID: 35346344, PMCID: PMC8962531

Color Diagnostics, LLC DBA Color Health
Classification: Uncertain significance for Cardiomyopathy. Last evaluated: 2023-10-13. Review status: criteria provided, single submitter. Criteria: ACMG Guidelines, 2015. Collection method: clinical testing. Allele origin: germline.
Comment: This missense variant replaces methionine with valine at codon 2782 of the RYR2 protein. Computational prediction suggests that this variant may have deleterious impact on protein structure and function. To our knowledge, functional studies have not been reported for this variant. This variant has not been reported in individuals affected with RYR2-related disorders in the literature. This variant has been identified in 1/31386 chromosomes in the general population by the Genome Aggregation Database (gnomAD). The available evidence is insufficient to determine the role of this variant in disease conclusively. Therefore, this variant is classified as a Variant of Uncertain Significance.